The following is an entry in ClinVar:

ClinVar aggregate classification (germline): Likely pathogenic (1 of 4 stars; one submission).

Conditions:
RYR1-related disorder. Also called: RYR1-related disorders; RYR1-related condition. Identifiers: MedGen CN239331.

Submission:

Labcorp Genetics (formerly Invitae), Labcorp
Classification: Likely pathogenic for RYR1-related disorder. Last evaluated: 2019-04-25. Review status: criteria provided, single submitter. Criteria: Invitae Variant Classification Sherloc (09022015). Collection method: clinical testing. Allele origin: germline.
Comment: Algorithms developed to predict the effect of sequence changes on RNA splicing suggest that this variant may disrupt the consensus splice site, but this prediction has not been confirmed by published transcriptional studies. This sequence change affects a donor splice site in intron 69 of the RYR1 gene. It is expected to disrupt RNA splicing and likely results in an absent or disrupted protein product. This variant is not present in population databases (ExAC no frequency). This variant has not been reported in the literature in individuals with RYR1-related conditions. Donor and acceptor splice site variants typically lead to a loss of protein function (PMID: 16199547), and loss-of-function variants in RYR1 are known to be pathogenic (PMID: 20583297, 20839240, 23919265, 28818389). In summary, the currently available evidence indicates that the variant is pathogenic, but additional data are needed to prove that conclusively. Therefore, this variant has been classified as Likely Pathogenic.

Literature cited by the submitters: PubMed 16199547; PubMed 20583297; PubMed 20839240; PubMed 23919265; PubMed 28818389.

NM_000540.3(RYR1):c.10440+2_10440+22del

Gene: RYR1 (ryanodine receptor 1; plus strand). Cytogenetic location: 19q13.2.
Variant type: Deletion.
Coding change: c.10440+2_10440+22del on transcript NM_000540.3 (MANE Select); the canonical splice donor site of the intron after coding-DNA position 10440 through 22 bases into the intron after coding-DNA position 10440, 21 bases deleted (TCGGGGCTTGGTTCTGGGAGG).
Molecular consequence: splice donor variant.
Genome position (GRCh38, 1-based): chr19:38,523,311-38,523,331, TCGGGGCTTGGTTCTGGGAGG deleted; deleting any 21 consecutive bases within chr19:38,523,308-38,523,331 gives the same sequence; the c. name uses the placement nearest the transcript's 3' end. VCF-style (leftmost placement, unchanged base first): chr19-38523307-AAGGTCGGGGCTTGGTTCTGGG-A. GRCh37 (hg19) VCF-style: chr19-39013947-AAGGTCGGGGCTTGGTTCTGGG-A.
Other names: c.10440+2_10440+22del (NM_001042723.2).
Identifiers: ClinVar variation 945620 (VCV000945620.8), dbSNP rs1971306200, ClinGen allele CA1139666421.
Genomic context (GRCh38, chr19:38,523,307, plus strand): 5'-GTCCAGAATGAGATCAACAACATGTCCTTCCTGACTGCTGACAACAAAAGCAAAATGGCT[AAGGTCGGGGCTTGGTTCTGGG>A]AGGAGCACTTGGCAGAGAGGGCGGGAGCACCCTCTAGGACTTCCTACCTGGCCTGTCCTC-3'